The following is an entry in ClinVar:

ClinVar aggregate classification (germline): Uncertain significance. Review status: criteria provided, multiple submitters, no conflicts (2 of 4 stars). 4 submissions from 4 submitters: Uncertain significance (4). Last evaluated 2024-11-21.

Conditions:
Hereditary breast ovarian cancer syndrome. Also called: Hereditary breast and ovarian cancer; Hereditary breast and ovarian cancer syndrome; Hereditary breast and/or ovarian cancer syndrome; BRCA1- and BRCA2-Associated Hereditary Breast and Ovarian Cancer; Hereditary breast and ovarian cancer syndrome (HBOC); Breast and ovarian cancer. Identifiers: Orphanet 145, MedGen C0677776, MeSH D061325, MONDO:0003582. Disease mechanism: loss of function.
Hereditary cancer-predisposing syndrome. Also called: Tumor predisposition; Hereditary neoplastic syndrome; Hereditary Cancer Syndrome; Neoplastic Syndromes, Hereditary. Identifiers: Orphanet 140162, MedGen C0027672, MeSH D009386, MONDO:0015356.

Allele frequency attached by ClinVar (database versions not stated): gnomAD exomes below 0.00001; ExAC 0.00001.
gnomAD v4.1: 1 of 1,613,190 alleles (0.000062%); highest among the groups gnomAD compares: Non-Finnish European, 0.000085%; no homozygotes.

Submissions (4):

Labcorp Genetics (formerly Invitae), Labcorp
Classification: Uncertain significance for Hereditary breast ovarian cancer syndrome. Last evaluated: 2024-11-21. Review status: criteria provided, single submitter. Criteria: Invitae Variant Classification Sherloc (09022015). Collection method: clinical testing. Allele origin: germline.
Comment: This sequence change replaces isoleucine, which is neutral and non-polar, with serine, which is neutral and polar, at codon 2454 of the BRCA2 protein (p.Ile2454Ser). This variant is present in population databases (rs755853659, gnomAD 0.0009%). This variant has not been reported in the literature in individuals affected with BRCA2-related conditions. ClinVar contains an entry for this variant (Variation ID: 1171834). Invitae Evidence Modeling of protein sequence and biophysical properties (such as structural, functional, and spatial information, amino acid conservation, physicochemical variation, residue mobility, and thermodynamic stability) indicates that this missense variant is not expected to disrupt BRCA2 protein function with a negative predictive value of 95%. In summary, the available evidence is currently insufficient to determine the role of this variant in disease. Therefore, it has been classified as a Variant of Uncertain Significance.

Color Diagnostics, LLC DBA Color Health
Classification: Uncertain significance for Hereditary cancer-predisposing syndrome. Last evaluated: 2024-03-06. Review status: criteria provided, single submitter. Criteria: ACMG Guidelines, 2015. Collection method: clinical testing. Allele origin: germline.
Comment: This missense variant replaces isoleucine with serine at codon 2454 of the BRCA2 protein. Computational prediction suggests that this variant may not impact protein structure and function (internally defined REVEL score threshold <= 0.5, PMID: 27666373). To our knowledge, functional studies have not been reported for this variant. This variant has not been reported in individuals affected with hereditary cancer in the literature. This variant has been identified in 1/251098 chromosomes in the general population by the Genome Aggregation Database (gnomAD). The available evidence is insufficient to determine the role of this variant in disease conclusively. Therefore, this variant is classified as a Variant of Uncertain Significance.

Ambry Genetics
Classification: Uncertain significance for Hereditary cancer-predisposing syndrome. Last evaluated: 2024-03-01. Review status: criteria provided, single submitter. Criteria: Ambry Variant Classification Scheme 2023. Collection method: clinical testing. Allele origin: germline.
Comment: The p.I2454S variant (also known as c.7361T>G), located in coding exon 13 of the BRCA2 gene, results from a T to G substitution at nucleotide position 7361. The isoleucine at codon 2454 is replaced by serine, an amino acid with dissimilar properties. This amino acid position is not well conserved in available vertebrate species. In addition, this alteration is predicted to be tolerated by in silico analysis. Since supporting evidence is limited at this time, the clinical significance of this alteration remains unclear.

GeneDx
Classification: Uncertain significance. Last evaluated: 2022-10-05. Review status: criteria provided, single submitter. Criteria: GeneDx Variant Classification Process June 2021. Collection method: clinical testing. Allele origin: germline. Affected: yes.
Comment: Not observed at significant frequency in large population cohorts (gnomAD); In silico analysis supports that this missense variant does not alter protein structure/function; Has not been previously published as pathogenic or benign to our knowledge; Also known as 7589T>G

NM_000059.4(BRCA2):c.7361T>G (p.Ile2454Ser)

Gene: BRCA2 (BRCA2 DNA repair associated; plus strand). Cytogenetic location: 13q13.1.
Variant type: single nucleotide variant.
Coding change: c.7361T>G on transcript NM_000059.4 (MANE Select); coding-DNA position 7361, T replaced by G.
Protein change: p.Ile2454Ser; replaces isoleucine 2454 with serine.
Molecular consequence: missense variant.
Genome position (GRCh38, 1-based): chr13:32,355,214, T>G. VCF-style: chr13-32355214-T-G. GRCh37 (hg19) VCF-style: chr13-32929351-T-G.
Other names: short protein forms I2454S.
Identifiers: ClinVar variation 1171834 (VCV001171834.12), dbSNP rs755853659, ClinGen allele CA6941085.